The following is an entry in ClinVar:

ClinVar aggregate classification (germline): Pathogenic. Review status: reviewed by expert panel (3 of 4 stars). 3 submissions from 3 submitters: Pathogenic (1). 2 of the submissions do not count toward it. Last evaluated 2016-09-08.

Conditions:
Hereditary breast ovarian cancer syndrome. Also called: Breast and ovarian cancer; Hereditary breast and ovarian cancer; Hereditary breast and ovarian cancer syndrome; BRCA1- and BRCA2-Associated Hereditary Breast and Ovarian Cancer; Hereditary breast and ovarian cancer syndrome (HBOC); Hereditary breast and/or ovarian cancer syndrome. Identifiers: Orphanet 145, MedGen C0677776, MeSH D061325, MONDO:0003582. Disease mechanism: loss of function.
Breast-ovarian cancer, familial, susceptibility to, 2 (BROVCA2). Also called: BRCA2 Hereditary Breast and Ovarian Cancer. Identifiers: Orphanet 145, MedGen C2675520, MONDO:0012933, OMIM 612555. Disease mechanism: loss of function.

Submissions (3):

Evidence-based Network for the Interpretation of Germline Mutant Alleles (ENIGMA)
Classification: Pathogenic for Breast-ovarian cancer, familial, susceptibility to, 2. Last evaluated: 2016-09-08. Review status: reviewed by expert panel. Criteria: ENIGMA BRCA1/2 Classification Criteria (2015). Collection method: curation. Allele origin: germline.
Comment: Variant allele predicted to encode a truncated non-functional protein.

Labcorp Genetics (formerly Invitae), Labcorp
Classification: Pathogenic for Hereditary breast ovarian cancer syndrome. Last evaluated: 2020-07-15. Review status: criteria provided, single submitter. Criteria: Invitae Variant Classification Sherloc (09022015). Collection method: clinical testing. Allele origin: germline. Not counted in ClinVar's aggregate classification.
Comment: Loss-of-function variants in BRCA2 are known to be pathogenic (PMID: 20104584). This variant has been observed in individual(s) with breast cancer (PMID: 30287823). ClinVar contains an entry for this variant (Variation ID: 91737). This variant is not present in population databases (ExAC no frequency). This sequence change creates a premature translational stop signal (p.Ser2978*) in the BRCA2 gene. It is expected to result in an absent or disrupted protein product. For these reasons, this variant has been classified as Pathogenic.

Sharing Clinical Reports Project (SCRP)
Classification: Pathogenic for Breast-ovarian cancer, familial 2. Last evaluated: 2008-05-29. Review status: no assertion criteria provided. Collection method: clinical testing. Allele origin: germline. Not counted in ClinVar's aggregate classification.

Literature cited by the submitters: PubMed 20104584 (cited by Labcorp Genetics (formerly Invitae), Labcorp); PubMed 30287823 (cited by Labcorp Genetics (formerly Invitae), Labcorp).

NM_000059.4(BRCA2):c.8933C>G (p.Ser2978Ter)

Gene: BRCA2 (BRCA2 DNA repair associated; plus strand). Cytogenetic location: 13q13.1.
Variant type: single nucleotide variant.
Coding change: c.8933C>G on transcript NM_000059.4 (MANE Select); coding-DNA position 8933, C replaced by G.
Protein change: p.Ser2978Ter; replaces serine 2978 with a stop codon.
Molecular consequence: nonsense.
Genome position (GRCh38, 1-based): chr13:32,379,495, C>G. VCF-style: chr13-32379495-C-G. GRCh37 (hg19) VCF-style: chr13-32953632-C-G.
Other names: 9161C>G; short protein forms S2978*.
Identifiers: ClinVar variation 91737 (VCV000091737.13), dbSNP rs80359144, ClinGen allele CA025878.